The following is an entry in ClinVar:

NM_001166108.2(PALLD):c.674A>T (p.Glu225Val)

Gene: PALLD (palladin, cytoskeletal associated protein; plus strand). Cytogenetic location: 4q32.3.
Variant type: single nucleotide variant.
Coding change: c.674A>T on transcript NM_001166108.2 (MANE Select); coding-DNA position 674, A replaced by T.
Protein change: p.Glu225Val; replaces glutamic acid 225 with valine.
Molecular consequence: missense variant.
Genome position (GRCh38, 1-based): chr4:168,512,178, A>T. VCF-style: chr4-168512178-A-T. GRCh37 (hg19) VCF-style: chr4-169433329-A-T.
Other names: c.674A>T, p.Glu225Val (NM_016081.4); short protein forms E225V.
Identifiers: ClinVar variation 2625560 (VCV002625560.2), dbSNP rs2531435301, ClinGen allele CA358727859.

ClinVar aggregate classification (germline): Uncertain significance (1 of 4 stars; one submission).

Submission:

Ambry Genetics
Classification: Uncertain significance. Last evaluated: 2023-07-27. Review status: criteria provided, single submitter. Criteria: Ambry Variant Classification Scheme 2023. Collection method: clinical testing. Allele origin: germline.
Comment: The p.E225V variant (also known as c.674A>T), located in coding exon 1 of the PALLD gene, results from an A to T substitution at nucleotide position 674. The glutamic acid at codon 225 is replaced by valine, an amino acid with dissimilar properties. This amino acid position is conserved. In addition, this alteration is predicted to be tolerated by in silico analysis. Since supporting evidence is limited at this time, the clinical significance of this alteration remains unclear.